The following is an entry in ClinVar:

NM_001098537.3(PNPLA7):c.1889+1G>A

Gene: PNPLA7 (patatin like domain 7, lysophospholipase; minus strand). Cytogenetic location: 9q34.3.
Variant type: single nucleotide variant.
Coding change: c.1889+1G>A on transcript NM_001098537.3 (MANE Select); the canonical splice donor site of the intron after coding-DNA position 1889, G replaced by A.
Molecular consequence: splice donor variant.
Genome position (GRCh38, 1-based): chr9:137,498,113, C>T on the plus strand (G>A on the coding strand, the complement: PNPLA7 is on the minus strand). VCF-style: chr9-137498113-C-T. GRCh37 (hg19) VCF-style: chr9-140392565-C-T.
Other names: c.1814+1G>A (NM_152286.5).
Identifiers: ClinVar variation 986395 (VCV000986395.1), dbSNP rs767961762, ClinGen allele CA5371628.

ClinVar aggregate classification (germline): Uncertain significance (0 of 4 stars; one submission).

Conditions:
Mulibrey nanism syndrome. Also called: MUSCLE-LIVER-BRAIN-EYE NANISM; PERHEENTUPA SYNDROME; PERICARDIAL CONSTRICTION AND GROWTH FAILURE. Identifiers: Orphanet 2576, MedGen C0524582, MONDO:0009664, OMIM 253250.

Allele frequency attached by ClinVar (database versions not stated): gnomAD exomes 0.00002 and 0.00003; TOPMed 0.00002; gnomAD 0.00004; ExAC 0.00006.
gnomAD v4.1: 27 of 1,612,794 alleles (0.0017%); highest among the groups gnomAD compares: Non-Finnish European, 0.0019%; no homozygotes.

Submission:

Broad Center for Mendelian Genomics, Broad Institute of MIT and Harvard
Classification: Uncertain significance for Mulibrey nanism syndrome. Last evaluated: 2020-11-16. Review status: no assertion criteria provided. Collection method: curation. Allele origin: germline.
Comment: The variant has not been previously reported in individuals with neurodevelopmental disease but has been identified in 0.011% (14/127748) of European non-Finnish chromosomes by the Genome Aggregation Database (gnomAD; dbSNP ID: rs767961762). Although this variant has been seen in the general population, its frequency is not high enough to rule out a pathogenic role. This variant occurs in the invariant region (+/- 1/2) of the splice consensus sequence and is predicted to cause altered splicing leading to an abnormal or absent protein. It is of note that loss of function of PNPLA7 in an autosomal recessive disease has not yet been established based on the criteria laid out in Tayoun, 2018 (PMID: 30192042). Furthermore, although this gene has been reported in association with neurodevelopmental disease, it currently has limited evidence for these associations. In summary, the clinical significance of the c.1889+1G>A variant is uncertain.